The following is an entry in ClinVar:

NM_001849.4(COL6A2):c.1671+9_1671+10inv

Gene: COL6A2 (collagen type VI alpha 2 chain; plus strand). Cytogenetic location: 21q22.3.
Variant type: Inversion.
Coding change: c.1671+9_1671+10inv on transcript NM_001849.4 (MANE Select).
Molecular consequence: intron variant.
Genome position: GRCh38 VCF-style: chr21-46122946-CA-TG. GRCh37 (hg19) VCF-style: chr21-47542860-CA-TG.
Other names: c.1671+9_1671+10invCA (NM_001849.3); c.1671+9_1671+10delinsTG (NM_001849.4); c.1671+9_1671+10inv (NM_058175.3, NM_058174.3).
Identifiers: ClinVar variation 476457 (VCV000476457.10), ClinGen allele CA658658897.

ClinVar aggregate classification (germline): Benign/Likely benign. Review status: criteria provided, multiple submitters, no conflicts (2 of 4 stars). 2 submissions from 2 submitters: Benign (1); Likely benign (1). Last evaluated 2026-03-24.

Conditions:
Bethlem myopathy 1A. Also called: Bethlem Muscular Dystrophy; MYOPATHY, BENIGN CONGENITAL, WITH CONTRACTURES; Bethlem myopathy 1. Identifiers: Orphanet 610, MedGen CN029274, MONDO:0024530, OMIM 158810.

Submissions (2):

Women's Health and Genetics/Laboratory Corporation of America, LabCorp
Classification: Benign. Last evaluated: 2026-03-24. Review status: criteria provided, single submitter. Criteria: LabCorp Variant Classification Summary - May 2015. Collection method: clinical testing. Allele origin: germline.
Comment: Variant summary: COL6A2 c.1671+9_1671+10delinsTG alters a nucleotide located at a position not widely known to affect splicing. Consensus agreement among computation tools predict no significant impact on normal splicing. However, these predictions have yet to be confirmed by functional studies. The variant allele was found as a multinucleotide combination of c.1671+9C>T and c.1671+10A>G at a frequency not exceeding 0.00045 in 1612854 control chromosomes, predominantly at a frequency of 0.0088 within the African or African-American subpopulation in the gnomADv4 database, including 5 homozygotes. The observed variant frequency within African or African-American control individuals in the gnomAD database exceeds the estimated maximal expected allele frequency for disease-causing variants in COL6A2. To our knowledge, no occurrence of c.1671+9_1671+10delinsTG in individuals affected with COL6A2-related conditions and no experimental evidence demonstrating its impact on protein function have been reported. ClinVar contains an entry for this variant (Variation ID: 476457). Based on the evidence outlined above, the variant was classified as benign.

Labcorp Genetics (formerly Invitae), Labcorp
Classification: Likely benign for Bethlem myopathy 1A. Last evaluated: 2026-01-27. Review status: criteria provided, single submitter. Criteria: Invitae Variant Classification Sherloc (09022015). Collection method: clinical testing. Allele origin: germline.